The following is an entry in ClinVar:

ClinVar aggregate classification (germline): Benign/Likely benign. Review status: criteria provided, multiple submitters, no conflicts (2 of 4 stars). 3 submissions from 3 submitters: Benign (1); Likely benign (2). Last evaluated 2025-09-10.

Conditions:
Epileptic encephalopathy. Identifiers: MedGen C0543888, HP:0200134.

Allele frequency attached by ClinVar (database versions not stated): TOPMed 0.00006.
gnomAD v4.1: 99 of 1,613,744 alleles (0.0061%); highest among the groups gnomAD compares: Admixed American, 0.012%; no homozygotes.

Submissions (3):

Labcorp Genetics (formerly Invitae), Labcorp
Classification: Benign for Epileptic encephalopathy. Last evaluated: 2025-09-10. Review status: criteria provided, single submitter. Criteria: Invitae Variant Classification Sherloc (09022015). Collection method: clinical testing. Allele origin: germline.

Blueprint Genetics
Classification: Likely benign. Last evaluated: 2024-10-14. Review status: criteria provided, single submitter. Criteria: ACMG Guidelines, 2015. Collection method: clinical testing. Allele origin: germline.

CeGaT Center for Human Genetics Tuebingen
Classification: Likely benign. Last evaluated: 2024-06-01. Review status: criteria provided, single submitter. Criteria: CeGaT Center For Human Genetics Tuebingen Variant Classification Criteria Version 2. Collection method: clinical testing. Allele origin: germline. Affected: yes. Observed: 2 variant alleles.
Comment: GABBR2: BP4, BP7

NM_005458.8(GABBR2):c.339G>T (p.Gly113=)

Gene: GABBR2 (gamma-aminobutyric acid type B receptor subunit 2; minus strand). Cytogenetic location: 9q22.33.
Variant type: single nucleotide variant.
Coding change: c.339G>T on transcript NM_005458.8 (MANE Select); coding-DNA position 339, G replaced by T.
Protein change: p.Gly113=; no amino-acid change (glycine 113 retained).
Molecular consequence: synonymous variant.
Genome position (GRCh38, 1-based): chr9:98,578,055, C>A on the plus strand (G>T on the coding strand, the complement: GABBR2 is on the minus strand). VCF-style: chr9-98578055-C-A. GRCh37 (hg19) VCF-style: chr9-101340337-C-A.
Identifiers: ClinVar variation 852459 (VCV000852459.32), dbSNP rs766579887, ClinGen allele CA5153011.